The following is an entry in ClinVar:

NM_001046.3(SLC12A2):c.955C>G (p.Leu319Val)

Gene: SLC12A2 (solute carrier family 12 member 2; plus strand). Cytogenetic location: 5q23.3.
Variant type: single nucleotide variant.
Coding change: c.955C>G on transcript NM_001046.3 (MANE Select); coding-DNA position 955, C replaced by G.
Protein change: p.Leu319Val; replaces leucine 319 with valine.
Molecular consequence: missense variant. On other transcripts: non-coding transcript variant (1).
Genome position (GRCh38, 1-based): chr5:128,114,588, C>G. VCF-style: chr5-128114588-C-G. GRCh37 (hg19) VCF-style: chr5-127450280-C-G.
Other names: c.955C>G, p.Leu319Val (NM_001256461.2); short protein forms L319V.
Identifiers: ClinVar variation 2655675 (VCV002655675.24), dbSNP rs2479294158, ClinGen allele CA360738426.

ClinVar aggregate classification (germline): Uncertain significance (1 of 4 stars; one submission).

Submission:

CeGaT Center for Human Genetics Tuebingen
Classification: Uncertain significance. Last evaluated: 2022-08-01. Review status: criteria provided, single submitter. Criteria: CeGaT Center For Human Genetics Tuebingen Variant Classification Criteria Version 2. Collection method: clinical testing. Allele origin: germline. Affected: yes. Observed: 1 variant allele.
Comment: SLC12A2: PM2